The following is an entry in ClinVar:

ClinVar aggregate classification (germline): Pathogenic (1 of 4 stars; one submission).

Conditions:
Neuronal ceroid lipofuscinosis. Also called: Neuronal Ceroid Lipofuscinoses. Identifiers: Orphanet 216, Orphanet 79263, MedGen C0027877, MONDO:0016295. Disease mechanism: loss of function.

Submission:

Labcorp Genetics (formerly Invitae), Labcorp
Classification: Pathogenic for Neuronal ceroid lipofuscinosis. Last evaluated: 2023-08-11. Review status: criteria provided, single submitter. Criteria: Invitae Variant Classification Sherloc (09022015). Collection method: clinical testing. Allele origin: germline.
Comment: This sequence change creates a premature translational stop signal (p.Asp83Glyfs*49) in the CLN6 gene. It is expected to result in an absent or disrupted protein product. Loss-of-function variants in CLN6 are known to be pathogenic (PMID: 19135028). This variant is not present in population databases (gnomAD no frequency). This variant has not been reported in the literature in individuals affected with CLN6-related conditions. For these reasons, this variant has been classified as Pathogenic.

Literature cited by the submitters: PubMed 19135028.

NM_017882.3(CLN6):c.247dup (p.Asp83fs)

Gene: CLN6 (CLN6 transmembrane ER protein; minus strand). Cytogenetic location: 15q23.
Variant type: Duplication.
Coding change: c.247dup on transcript NM_017882.3 (MANE Select); coding-DNA position 247, one base duplicated (G; older notation c.247dupG).
Protein change: p.Asp83fs; shifts the reading frame from aspartic acid 83.
Molecular consequence: frameshift variant.
Genome position (GRCh38, 1-based): chr15:68,214,340, C duplicated on the plus strand (G on the coding strand, the reverse complement: CLN6 is on the minus strand); the first of 4 consecutive C bases (chr15:68,214,340-68,214,343); duplicating any one gives the same sequence. VCF-style (leftmost placement, unchanged base first): chr15-68214339-T-TC. GRCh37 (hg19) VCF-style: chr15-68506677-T-TC.
Other names: c.343dup, p.Asp115fs (NM_001411068.1); short protein forms D115fs, D83fs.
Identifiers: ClinVar variation 2775560 (VCV002775560.3), dbSNP rs2505414849, ClinGen allele CA2739269525.
Genomic context (GRCh38, chr15:68,214,339, plus strand): 5'-TGGGACAGTACCTTGAGCAAGAGAAAGGGCGTGATGACGTTGTAGGCCATGTGGAAGTAG[T>TC]CCCCAACACTGGGCTTGTTGAGTGGAAACCACTCGAGAGGGAATACCAGCTGCGGAGCAA-3'